The following is an entry in ClinVar:

NM_001134665.3(TRMT10A):c.319T>C (p.Cys107Arg)

Gene: TRMT10A (tRNA methyltransferase 10A; minus strand). Cytogenetic location: 4q23.
Variant type: single nucleotide variant.
Coding change: c.319T>C on transcript NM_001134665.3 (MANE Select); coding-DNA position 319, T replaced by C.
Protein change: p.Cys107Arg; replaces cysteine 107 with arginine.
Molecular consequence: missense variant.
Genome position (GRCh38, 1-based): chr4:99,558,078, A>G on the plus strand (T>C on the coding strand, the complement: TRMT10A is on the minus strand). VCF-style: chr4-99558078-A-G. GRCh37 (hg19) VCF-style: chr4-100479235-A-G.
Other names: c.319T>C, p.Cys107Arg (NM_152292.5, NM_001134666.3, NM_001375880.1 and 2 more transcripts); short protein forms C107R.
Identifiers: ClinVar variation 1975225 (VCV001975225.5), dbSNP rs2476027736, ClinGen allele CA357511908.

ClinVar aggregate classification (germline): Uncertain significance (1 of 4 stars; one submission).

Submission:

Labcorp Genetics (formerly Invitae), Labcorp
Classification: Uncertain significance. Last evaluated: 2022-07-06. Review status: criteria provided, single submitter. Criteria: Invitae Variant Classification Sherloc (09022015). Collection method: clinical testing. Allele origin: germline.
Comment: This variant has not been reported in the literature in individuals affected with TRMT10A-related conditions. This variant is not present in population databases (gnomAD no frequency). This sequence change replaces cysteine, which is neutral and slightly polar, with arginine, which is basic and polar, at codon 107 of the TRMT10A protein (p.Cys107Arg). Algorithms developed to predict the effect of missense changes on protein structure and function are either unavailable or do not agree on the potential impact of this missense change (SIFT: "Deleterious"; PolyPhen-2: "Benign"; Align-GVGD: "Class C0"). In summary, the available evidence is currently insufficient to determine the role of this variant in disease. Therefore, it has been classified as a Variant of Uncertain Significance.